The following is an entry in ClinVar:

NM_020911.2(PLXNA4):c.1371+4412T>G

Gene: PLXNA4 (plexin A4; minus strand). Cytogenetic location: 7q32.3.
Variant type: single nucleotide variant.
Coding change: c.1371+4412T>G on transcript NM_020911.2 (MANE Select); 4412 bases into the intron after coding-DNA position 1371, T replaced by G.
Molecular consequence: intron variant. On other transcripts: missense variant (1).
Genome position (GRCh38, 1-based): chr7:132,484,880, A>C on the plus strand (T>G on the coding strand, the complement: PLXNA4 is on the minus strand). VCF-style: chr7-132484880-A-C. GRCh37 (hg19) VCF-style: chr7-132169639-A-C.
Other names: c.1505T>G, p.Ile502Arg (NM_181775.4); c.1371+4412T>G (NM_001393897.1, NM_001105543.2); short protein forms I502R.
Identifiers: ClinVar variation 3358312 (VCV003358312.2).

ClinVar aggregate classification (germline): Uncertain significance (1 of 4 stars; one submission).

Conditions:
PLXNA4-related disorder. Also called: PLXNA4-related condition.

gnomAD v4.1: 7 of 1,614,038 alleles (0.00043%); highest among the groups gnomAD compares: Admixed American, 0.005%; no homozygotes.

Submission:

PreventionGenetics, part of Exact Sciences
Classification: Uncertain significance for PLXNA4-related condition. Last evaluated: 2026-08-26. Review status: criteria provided, single submitter. Criteria: ACMG Guidelines, 2015. Collection method: clinical testing. Allele origin: germline.
Comment: The PLXNA4 c.1505T>G variant is predicted to result in the amino acid substitution p.Ile502Arg. On an alternate transcript (NM_020911) this variant is referred to as c.1371+4412T>G (Intronic). To our knowledge, this variant has not been reported in the literature. This variant has been reported in two heterozygous individuals within the ‘other’ subpopulation in gnomAD. At this time, the clinical significance of this variant is uncertain due to the absence of conclusive functional and genetic evidence.